The following is an entry in ClinVar:

ClinVar aggregate classification (germline): Uncertain significance (1 of 4 stars; one submission).

Conditions:
Neurodevelopmental disorder, nonprogressive, with spasticity and transient opisthotonus. Identifiers: MedGen C5562040, MONDO:0859212, OMIM 619653.

Submission:

Neuberg Centre For Genomic Medicine, NCGM
Classification: Uncertain significance for Neurodevelopmental disorder, nonprogressive, with spasticity and transient opisthotonus. Last evaluated: 2023-06-22. Review status: criteria provided, single submitter. Criteria: ACMG Guidelines, 2015. Collection method: clinical testing. Allele origin: germline. Inheritance: Autosomal recessive inheritance. Affected: yes.
Comment: The observed missense c.3742G>A(p.Asp1248Asn) variant in TNR gene has not been reported previously as a pathogenic variant nor as a benign variant, to our knowledge. This variant is absent in gnomAD Exomes. The amino acid Asp at position 1248 is changed to a Asn changing protein sequence and it might alter its composition and physico-chemical properties. The amino acid change p.Asp1248Asn in TNR is predicted as conserved by GERP++ and PhyloP across 100 vertebrates. Multiple lines of computational evidence (Polyphen - Possibly Damaging, SIFT - Damaging, and MutationTaster - Disease causing) predict a damaging effect on protein structure and function for this variant. For these reasons, this variant has been classified as Uncertain Significance.

NM_003285.3(TNR):c.3742G>A (p.Asp1248Asn)

Gene: TNR (tenascin R; minus strand). Cytogenetic location: 1q25.1.
Variant type: single nucleotide variant.
Coding change: c.3742G>A on transcript NM_003285.3 (MANE Select); coding-DNA position 3742, G replaced by A.
Protein change: p.Asp1248Asn; replaces aspartic acid 1248 with asparagine.
Molecular consequence: missense variant.
Genome position (GRCh38, 1-based): chr1:175,330,125, C>T on the plus strand (G>A on the coding strand, the complement: TNR is on the minus strand). VCF-style: chr1-175330125-C-T. GRCh37 (hg19) VCF-style: chr1-175299261-C-T.
Other names: c.2743G>A, p.Asp915Asn (NM_001328635.2); short protein forms D1248N, D915N.
Identifiers: ClinVar variation 3731547 (VCV003731547.1).
Genomic context (GRCh38, chr1:175,330,125, plus strand): 5'-CATAGGTACCCGCAGTGCCGTTGTAGCTTCCTATGCGGAGTTTGTACAGGTTTCTGCTGT[C>T]CTCGACAGAGAACCTGTCGTAGGAGGCGAAGGCGGCCTCTTGGCCATCCCGCATGTCCAC-3'
Protein context (NP_003276.3, residues 1238-1258): FASYDRFSVE[Asp1248Asn]SRNLYKLRIG